The following is an entry in ClinVar:

ClinVar aggregate classification (germline): Likely benign (1 of 4 stars; one submission).

Conditions:
CDH23-related disorder. Also called: CDH23-related condition; CDH23-related disorders.

Submission:

PreventionGenetics, part of Exact Sciences
Classification: Likely benign for CDH23-related condition. Last evaluated: 2026-05-01. Review status: criteria provided, single submitter. Criteria: ACMG Guidelines, 2015. Collection method: clinical testing. Allele origin: germline.
Comment: This variant is classified as likely benign based on ACMG/AMP sequence variant interpretation guidelines (Richards et al. 2015 PMID: 25741868, with internal and published modifications).

NM_022124.6(CDH23):c.8385A>G (p.Arg2795=)

Gene: CDH23 (cadherin related 23; plus strand). Cytogenetic location: 10q22.1.
Variant type: single nucleotide variant.
Coding change: c.8385A>G on transcript NM_022124.6 (MANE Select); coding-DNA position 8385, A replaced by G.
Protein change: p.Arg2795=; no amino-acid change (arginine 2795 retained).
Molecular consequence: synonymous variant.
Genome position (GRCh38, 1-based): chr10:71,807,592, A>G. VCF-style: chr10-71807592-A-G. GRCh37 (hg19) VCF-style: chr10-73567349-A-G.
Other names: c.1665A>G, p.Arg555= (NM_001171933.1, NM_001171934.1).
Identifiers: ClinVar variation 4992539 (VCV004992539.1).